The following is an entry in ClinVar:

ClinVar aggregate classification (germline): Uncertain significance (1 of 4 stars; one submission).

Allele frequency attached by ClinVar (database versions not stated): gnomAD exomes 0.00002.
gnomAD v4.1: 32 of 1,613,912 alleles (0.002%); highest among the groups gnomAD compares: Non-Finnish European, 0.0027%; no homozygotes.

Submission:

CeGaT Center for Human Genetics Tuebingen
Classification: Uncertain significance. Last evaluated: 2023-02-01. Review status: criteria provided, single submitter. Criteria: CeGaT Center For Human Genetics Tuebingen Variant Classification Criteria Version 2. Collection method: clinical testing. Allele origin: germline. Affected: yes. Observed: 1 variant allele.
Comment: TNRC6B: PM2

NM_001162501.2(TNRC6B):c.1267G>C (p.Gly423Arg)

Gene: TNRC6B (trinucleotide repeat containing adaptor 6B; plus strand). Cytogenetic location: 22q13.1.
Variant type: single nucleotide variant.
Coding change: c.1267G>C on transcript NM_001162501.2 (MANE Select); coding-DNA position 1267, G replaced by C.
Protein change: p.Gly423Arg; replaces glycine 423 with arginine.
Molecular consequence: missense variant. On other transcripts: intron variant (1).
Genome position (GRCh38, 1-based): chr22:40,265,497, G>C. VCF-style: chr22-40265497-G-C. GRCh37 (hg19) VCF-style: chr22-40661501-G-C.
Other names: c.1267G>C, p.Gly423Arg (NM_015088.3); c.565+3324G>C (NM_001024843.2); short protein forms G423R.
Identifiers: ClinVar variation 2653173 (VCV002653173.24), dbSNP rs1368430664, ClinGen allele CA411629069.
Genomic context (GRCh38, chr22:40,265,497, plus strand): 5'-ACCTCCAGGAGCACTGATGCCCCTTCACAAAGCACTGGAGATCGAAAGACTGGGAGTGTT[G>C]GATCTTGGGGTGCAGCTAGGGGGCCTTCTGGAACTGACACAGTCTCTGGACAAAGCAATT-3'
Protein context (NP_001155973.1, residues 413-433): STGDRKTGSV[Gly423Arg]SWGAARGPSG